The following is an entry in ClinVar:

NM_000548.5(TSC2):c.337G>T (p.Gly113Cys)

Gene: TSC2 (TSC complex subunit 2; plus strand). Cytogenetic location: 16p13.3.
Variant type: single nucleotide variant.
Coding change: c.337G>T on transcript NM_000548.5 (MANE Select); coding-DNA position 337, G replaced by T.
Protein change: p.Gly113Cys; replaces glycine 113 with cysteine.
Molecular consequence: missense variant. On other transcripts: 5 prime UTR variant (14), non-coding transcript variant (5), intron variant (6).
Genome position (GRCh38, 1-based): chr16:2,054,296, G>T. VCF-style: chr16-2054296-G-T. GRCh37 (hg19) VCF-style: chr16-2104297-G-T.
Other names: c.337G>T, p.Gly113Cys (NM_001077183.3, NM_001114382.3, NM_001363528.2 and 8 more transcripts); c.226G>T, p.Gly76Cys (NM_001318827.2, NM_001406670.1, NM_001406678.1); c.190G>T, p.Gly64Cys (NM_001318829.2, NM_001406675.1, NM_001406676.1 and 1 more transcripts); c.370G>T, p.Gly124Cys (NM_001318832.2); c.427G>T, p.Gly143Cys (NM_001406667.1, NM_001406668.1); c.280G>T, p.Gly94Cys (NM_001406677.1); c.-480G>T (NM_001406680.1, NM_001406683.1, NM_001406687.1); c.-109G>T (NM_001406681.1); and 6 more; short protein forms G113C, G124C, G143C, G64C, G76C, G94C.
Identifiers: ClinVar variation 3364233 (VCV003364233.1).

ClinVar aggregate classification (germline): Uncertain significance (1 of 4 stars; one submission).

Submission:

GeneDx
Classification: Uncertain significance. Last evaluated: 2023-11-13. Review status: criteria provided, single submitter. Criteria: GeneDx Variant Classification Process June 2021. Collection method: clinical testing. Allele origin: germline. Affected: yes.
Comment: Not observed at significant frequency in large population cohorts (gnomAD); In silico analysis supports that this missense variant has a deleterious effect on protein structure/function; In silico analysis suggests this variant may impact gene splicing. In the absence of RNA/functional studies, the actual effect of this sequence change is unknown.; Has not been previously published as pathogenic or benign to our knowledge; This variant is associated with the following publications: (PMID: 18466115)